The following is an entry in ClinVar:

NM_000089.4(COL1A2):c.3338A>C (p.Asp1113Ala)

Gene: COL1A2 (collagen type I alpha 2 chain; plus strand). Cytogenetic location: 7q21.3.
Variant type: single nucleotide variant.
Coding change: c.3338A>C on transcript NM_000089.4 (MANE Select); coding-DNA position 3338, A replaced by C.
Protein change: p.Asp1113Ala; replaces aspartic acid 1113 with alanine.
Molecular consequence: missense variant.
Genome position (GRCh38, 1-based): chr7:94,427,697, A>C. VCF-style: chr7-94427697-A-C. GRCh37 (hg19) VCF-style: chr7-94057009-A-C.
Other names: short protein forms D1113A.
Identifiers: ClinVar variation 582785 (VCV000582785.10), dbSNP rs1562908093, ClinGen allele CA368225757.
Genomic context (GRCh38, chr7:94,427,697, plus strand): 5'-GTCCCCCTGGCCCTCCTGGACCTCCAGGTGTAAGCGGTGGTGGTTATGACTTTGGTTACG[A>C]TGGAGACTTCTACAGGGCTGACCAGCCTCGCTCAGCACCTTCTCTCAGACCCAAGGACTA-3'
Protein context (NP_000080.2, residues 1103-1123): VSGGGYDFGY[Asp1113Ala]GDFYRADQPR

ClinVar aggregate classification (germline): Uncertain significance (1 of 4 stars; one submission).

Conditions:
Osteogenesis imperfecta type I (OI1). Also called: OI, TYPE I; OSTEOGENESIS IMPERFECTA TARDA; OSTEOGENESIS IMPERFECTA WITH BLUE SCLERAE; Lobstein's Disease; Classic Non-deforming Osteogenesis Imperfecta with Blue Sclerae; Lobstein disease. Identifiers: Orphanet 216796, Orphanet 666, MedGen C0023931, MONDO:0008146, OMIM 166200. Disease mechanism: loss of function.
Ehlers-Danlos syndrome, classic type, 1 (EDSCL1). Also called: Ehlers-Danlos Syndrome, Classic Type, COL5A1-Related; EDS I; Ehlers-Danlos syndrome, type 1; EHLERS-DANLOS SYNDROME, GRAVIS TYPE; EHLERS-DANLOS SYNDROME, SEVERE CLASSIC TYPE. Identifiers: MedGen C0268335, MONDO:0019567, OMIM 130000.

Submission:

Labcorp Genetics (formerly Invitae), Labcorp
Classification: Uncertain significance for Osteogenesis imperfecta type I; Ehlers-Danlos syndrome, classic type, 1. Last evaluated: 2020-03-05. Review status: criteria provided, single submitter. Criteria: Invitae Variant Classification Sherloc (09022015). Collection method: clinical testing. Allele origin: germline.
Comment: This sequence change replaces aspartic acid with alanine at codon 1113 of the COL1A2 protein (p.Asp1113Ala). The aspartic acid residue is weakly conserved and there is a moderate physicochemical difference between aspartic acid and alanine. This variant is not present in population databases (ExAC no frequency). This variant has not been reported in the literature in individuals with COL1A2-related disease. Algorithms developed to predict the effect of missense changes on protein structure and function (SIFT, Align-GVGD) all suggest that this variant is likely to be tolerated, but these predictions have not been confirmed by published functional studies and their clinical significance is uncertain. In summary, the available evidence is currently insufficient to determine the role of this variant in disease. Therefore, it has been classified as a Variant of Uncertain Significance.